The following is an entry in ClinVar:

NM_000435.3(NOTCH3):c.509A>G (p.His170Arg)

Gene: NOTCH3 (notch receptor 3; minus strand). Cytogenetic location: 19p13.12.
Variant type: single nucleotide variant.
Coding change: c.509A>G on transcript NM_000435.3 (MANE Select); coding-DNA position 509, A replaced by G.
Protein change: p.His170Arg; replaces histidine 170 with arginine.
Molecular consequence: missense variant.
Genome position (GRCh38, 1-based): chr19:15,192,130, T>C on the plus strand (A>G on the coding strand, the complement: NOTCH3 is on the minus strand). VCF-style: chr19-15192130-T-C. GRCh37 (hg19) VCF-style: chr19-15302941-T-C.
Other names: short protein forms H170R.
Identifiers: ClinVar variation 328418 (VCV000328418.59), dbSNP rs147373451, ClinGen allele CA9263867.

ClinVar aggregate classification (germline): Benign/Likely benign. Review status: criteria provided, multiple submitters, no conflicts (2 of 4 stars). 15 submissions from 15 submitters: Benign (3); Likely benign (8). 4 of the submissions do not count toward it. Last evaluated 2026-09-01.

Conditions:
NOTCH3-related disorder. Also called: NOTCH3-related condition; NOTCH3-related disorders.
Cerebral arteriopathy, autosomal dominant, with subcortical infarcts and leukoencephalopathy, type 1 (CADASIL1). Also called: CASIL; Cerebral arteriopathy with subcortical infarcts and leukoencephalopathy 1; CADASIL 1; DEMENTIA, HEREDITARY MULTIINFARCT TYPE. Identifiers: Orphanet 136, MedGen C4551768, MONDO:0000914, OMIM 125310.
Myofibromatosis, infantile, 2. Identifiers: Orphanet 2591, MedGen C3809084, MONDO:0014122, OMIM 615293.
Lateral meningocele syndrome (LMNS). Also called: NOTCH3-Related Lateral Meningocele Syndrome. Identifiers: Orphanet 2789, MedGen C1851710, MONDO:0007537, OMIM 130720.

Allele frequency attached by ClinVar (database versions not stated): ESP Exome Variant Server 0.00108; 1000 Genomes Project 0.00140; 1000 Genomes Project 30x 0.00141; TOPMed 0.00156; gnomAD exomes 0.00184 and 0.00300; ExAC 0.00192.
gnomAD v4.1: 4,666 of 1,612,974 alleles (0.29%); highest among the groups gnomAD compares: South Asian, 0.42%; 11 homozygotes.

Submissions (15):

CeGaT Center for Human Genetics Tuebingen
Classification: Likely benign. Last evaluated: 2026-09-01. Review status: criteria provided, single submitter. Criteria: CeGaT Center For Human Genetics Tuebingen Variant Classification Criteria Version 2. Collection method: clinical testing. Allele origin: germline. Affected: yes. Observed: 17 variant alleles.
Comment: NOTCH3: PM1, BS1, BS2

Labcorp Genetics (formerly Invitae), Labcorp
Classification: Benign. Last evaluated: 2026-01-09. Review status: criteria provided, single submitter. Criteria: Invitae Variant Classification Sherloc (09022015). Collection method: clinical testing. Allele origin: germline.

Athena Diagnostics
Classification: Benign. Last evaluated: 2025-10-27. Review status: criteria provided, single submitter. Criteria: Athena Diagnostics Criteria. Collection method: clinical testing. Allele origin: unknown.
Comment: The frequency of this variant in the general population is higher than would generally be expected for pathogenic variants in this gene. This variant has been seen where an alternate explanation for disease was also identified.

Mayo Clinic Laboratories, Mayo Clinic
Classification: Benign. Last evaluated: 2025-05-14. Review status: criteria provided, single submitter. Criteria: ACMG Guidelines, 2015. Collection method: clinical testing. Allele origin: germline. Observed: 14 variant alleles.
Comment: BS1, BS2, PP2

Blueprint Genetics
Classification: Likely benign. Last evaluated: 2024-10-23. Review status: criteria provided, single submitter. Criteria: ACMG Guidelines, 2015. Collection method: clinical testing. Allele origin: germline.

ARUP Laboratories, Molecular Genetics and Genomics, ARUP Laboratories
Classification: Likely benign. Last evaluated: 2023-10-03. Review status: criteria provided, single submitter. Criteria: ARUP Molecular Germline Variant Investigation Process 2024. Collection method: clinical testing. Allele origin: germline.

Fulgent Genetics
Classification: Likely benign for Cerebral arteriopathy, autosomal dominant, with subcortical infarcts and leukoencephalopathy, type 1; Lateral meningocele syndrome; Myofibromatosis, infantile, 2. Last evaluated: 2022-05-07. Review status: criteria provided, single submitter. Criteria: ACMG Guidelines, 2015. Collection method: clinical testing. Allele origin: unknown.

Mendelics
Classification: Likely benign for Cerebral arteriopathy, autosomal dominant, with subcortical infarcts and leukoencephalopathy, type 1. Last evaluated: 2019-05-28. Review status: criteria provided, single submitter. Criteria: Mendelics Assertion Criteria 2017. Collection method: clinical testing. Allele origin: unknown.

Illumina Laboratory Services, Illumina
Classification: Likely benign for Cerebral arteriopathy, autosomal dominant, with subcortical infarcts and leukoencephalopathy, type 1. Last evaluated: 2017-04-27. Review status: criteria provided, single submitter. Criteria: ICSL Variant Classification Criteria 13 December 2019. Collection method: clinical testing. Allele origin: germline.
Comment: This variant was observed as part of a predisposition screen in an ostensibly healthy population. A literature search was performed for the gene, cDNA change, and amino acid change (where applicable). Publications were found based on this search. The evidence from the literature, in combination with allele frequency data from public databases where available, was sufficient to determine this variant is unlikely to cause disease. Therefore, this variant is classified as likely benign.

Laboratory for Molecular Medicine, Mass General Brigham Personalized Medicine
Classification: Likely benign. Last evaluated: 2016-04-25. Review status: criteria provided, single submitter. Criteria: LMM Criteria. Collection method: clinical testing. Allele origin: germline.
Comment: Variant identified in a genome or exome case(s) and assessed due to predicted null impact of the variant or pathogenic assertions in the literature or databases. Disclaimer: This variant has not undergone full assessment. The following are preliminary notes: Reported in 5 individuals with CADASIL. Also identified in 3 individuals with ischemic strokes, but the frequency was not different in controls. No segregation data available. No new publications since 2013. MAF 0.4%, too high to be consistent for a pathogenic role in AD highly penetrant disease.

Breakthrough Genomics
Classification: Likely benign. Review status: criteria provided, single submitter. Criteria: ACMG Guidelines, 2015. Collection method: not provided. Allele origin: germline. Inheritance: Autosomal dominant inheritance. Affected: yes.

PreventionGenetics, part of Exact Sciences
Classification: Likely benign for NOTCH3-related condition. Last evaluated: 2019-03-04. Review status: no assertion criteria provided. Collection method: clinical testing. Allele origin: germline. Not counted in ClinVar's aggregate classification.
Comment: This variant is classified as likely benign based on ACMG/AMP sequence variant interpretation guidelines (Richards et al. 2015 PMID: 25741868, with internal and published modifications).

Genome Diagnostics Laboratory, Amsterdam University Medical Center
Classification: Likely benign. Review status: no assertion criteria provided. Collection method: clinical testing. Allele origin: germline. Affected: yes. Study: VKGL Data-share Consensus. Not counted in ClinVar's aggregate classification.

Genome Diagnostics Laboratory, University Medical Center Utrecht
Classification: Likely benign. Review status: no assertion criteria provided. Collection method: clinical testing. Allele origin: germline. Affected: yes. Study: VKGL Data-share Consensus. Not counted in ClinVar's aggregate classification.

Laboratory of Diagnostic Genome Analysis, Leiden University Medical Center (LUMC)
Classification: Likely benign. Review status: no assertion criteria provided. Collection method: clinical testing. Allele origin: germline. Affected: yes. Study: VKGL Data-share Consensus. Not counted in ClinVar's aggregate classification.

Literature cited by the submitters: PubMed 22006983 (cited by Athena Diagnostics and Illumina Laboratory Services, Illumina); PubMed 24086431 (cited by Athena Diagnostics and Illumina Laboratory Services, Illumina); PubMed 22373597 (cited by Athena Diagnostics and Illumina Laboratory Services, Illumina); PubMed 19542611 (cited by Athena Diagnostics and Illumina Laboratory Services, Illumina); PubMed 25260786 (cited by Athena Diagnostics); PubMed 20935329 (cited by Athena Diagnostics); PubMed 3484396 (cited by Athena Diagnostics and Illumina Laboratory Services, Illumina); PubMed 29544907 (cited by Athena Diagnostics); PubMed 22795385 (cited by Athena Diagnostics and Illumina Laboratory Services, Illumina); PubMed 9388399 (cited by Athena Diagnostics and Illumina Laboratory Services, Illumina); PubMed 22153900 (cited by Athena Diagnostics and Illumina Laboratory Services, Illumina); PubMed 19006080 (cited by Athena Diagnostics and Illumina Laboratory Services, Illumina); PubMed 25801821 (cited by Athena Diagnostics); PubMed 25980907 (cited by Athena Diagnostics); PubMed 25819272 (cited by Athena Diagnostics); PubMed 15995828 (cited by Illumina Laboratory Services, Illumina).